The following is an entry in ClinVar:

ClinVar aggregate classification (germline): Uncertain significance (1 of 4 stars; one submission).

Submission:

Labcorp Genetics (formerly Invitae), Labcorp
Classification: Uncertain significance. Last evaluated: 2025-12-22. Review status: criteria provided, single submitter. Criteria: Invitae Variant Classification Sherloc (09022015). Collection method: clinical testing. Allele origin: germline.
Comment: This sequence change replaces valine, which is neutral and non-polar, with methionine, which is neutral and non-polar, at codon 609 of the PRPF6 protein (p.Val609Met). This variant is not present in population databases (gnomAD no frequency). This variant has not been reported in the literature in individuals affected with PRPF6-related conditions. Invitae Evidence Modeling of protein sequence and biophysical properties (such as structural, functional, and spatial information, amino acid conservation, physicochemical variation, residue mobility, and thermodynamic stability) indicates that this missense variant is not expected to disrupt PRPF6 protein function with a negative predictive value of 80%. In summary, the available evidence is currently insufficient to determine the role of this variant in disease. Therefore, it has been classified as a Variant of Uncertain Significance.

NM_012469.4(PRPF6):c.1825G>A (p.Val609Met)

Gene: PRPF6 (pre-mRNA processing factor 6; plus strand). Cytogenetic location: 20q13.33.
Variant type: single nucleotide variant.
Coding change: c.1825G>A on transcript NM_012469.4 (MANE Select); coding-DNA position 1825, G replaced by A.
Protein change: p.Val609Met; replaces valine 609 with methionine.
Molecular consequence: missense variant.
Genome position (GRCh38, 1-based): chr20:64,024,610, G>A. VCF-style: chr20-64024610-G-A. GRCh37 (hg19) VCF-style: chr20-62655963-G-A.
Other names: short protein forms V609M.
Identifiers: ClinVar variation 4740925 (VCV004740925.1).